The following is an entry in ClinVar:

ClinVar aggregate classification (germline): Uncertain significance (1 of 4 stars; one submission).

Conditions:
Dystonia 12 (DYT12). Also called: Rapid-Onset Dystonia-Parkinsonism (RDP); DYT-ATP1A3. Identifiers: Orphanet 71517, MedGen C1868681, MONDO:0007496, OMIM 128235.

Allele frequency attached by ClinVar (database versions not stated): gnomAD exomes below 0.00001.
gnomAD v4.1: 1 of 1,614,128 alleles (0.000062%); highest among the groups gnomAD compares: Non-Finnish European, 0.000085%; no homozygotes.

Submission:

Labcorp Genetics (formerly Invitae), Labcorp
Classification: Uncertain significance for Dystonia 12. Last evaluated: 2021-10-05. Review status: criteria provided, single submitter. Criteria: Invitae Variant Classification Sherloc (09022015). Collection method: clinical testing. Allele origin: germline.
Comment: In summary, the available evidence is currently insufficient to determine the role of this variant in disease. Therefore, it has been classified as a Variant of Uncertain Significance. Advanced modeling of protein sequence and biophysical properties (such as structural, functional, and spatial information, amino acid conservation, physicochemical variation, residue mobility, and thermodynamic stability) performed at Invitae indicates that this missense variant is expected to disrupt ATP1A3 protein function. This variant has not been reported in the literature in individuals affected with ATP1A3-related conditions. This variant is not present in population databases (ExAC no frequency). This sequence change replaces arginine with glutamine at codon 930 of the ATP1A3 protein (p.Arg930Gln). The arginine residue is highly conserved and there is a small physicochemical difference between arginine and glutamine.

NM_152296.5(ATP1A3):c.2789G>A (p.Arg930Gln)

Gene: ATP1A3 (ATPase Na+/K+ transporting subunit alpha 3; minus strand). Cytogenetic location: 19q13.2.
Variant type: single nucleotide variant.
Coding change: c.2789G>A on transcript NM_152296.5 (MANE Select); coding-DNA position 2789, G replaced by A.
Protein change: p.Arg930Gln; replaces arginine 930 with glutamine.
Molecular consequence: missense variant.
Genome position (GRCh38, 1-based): chr19:41,968,815, C>T on the plus strand (G>A on the coding strand, the complement: ATP1A3 is on the minus strand). VCF-style: chr19-41968815-C-T. GRCh37 (hg19) VCF-style: chr19-42472967-C-T.
Other names: c.2822G>A, p.Arg941Gln (NM_001256213.2); c.2828G>A, p.Arg943Gln (NM_001256214.2); short protein forms R943Q, R930Q, R941Q.
Identifiers: ClinVar variation 1384761 (VCV001384761.6), dbSNP rs2145944562, ClinGen allele CA406035877.